The following is an entry in ClinVar:

ClinVar aggregate classification (germline): Conflicting classifications of pathogenicity. Review status: criteria provided, conflicting classifications (1 of 4 stars). 7 submissions from 7 submitters: Uncertain significance (3); Benign (1); Likely benign (2). 1 of the submissions does not count toward it. Last evaluated 2025-08-11.

Conditions:
PAK3-related disorder. Also called: PAK3-related condition.
Intellectual developmental disorder, X-linked 30. Also called: MENTAL RETARDATION, X-LINKED 47; Intellectual disability, X-linked 30. Identifiers: Orphanet 777, MedGen C0796237, MONDO:0010361, OMIM 300558.

Allele frequency attached by ClinVar (database versions not stated): ExAC 0.00013; gnomAD exomes 0.00015 and 0.00021; 1000 Genomes Project 0.00026; TOPMed 0.00013; gnomAD 0.00021 and 0.00020; 1000 Genomes Project 30x 0.00021; ESP Exome Variant Server 0.00009.
gnomAD v4.1: 253 of 1,203,860 alleles (0.021%); highest among the groups gnomAD compares: Non-Finnish European, 0.022%; no homozygotes.

Submissions (7):

Labcorp Genetics (formerly Invitae), Labcorp
Classification: Benign. Last evaluated: 2025-08-11. Review status: criteria provided, single submitter. Criteria: Invitae Variant Classification Sherloc (09022015). Collection method: clinical testing. Allele origin: germline.

Women's Health and Genetics/Laboratory Corporation of America, LabCorp
Classification: Likely benign. Last evaluated: 2023-08-04. Review status: criteria provided, single submitter. Criteria: LabCorp Variant Classification Summary - May 2015. Collection method: clinical testing. Allele origin: germline.
Comment: Variant summary: PAK3 c.1579A>G (p.Ser527Gly) results in a non-conservative amino acid change located in the p21-activated kinase 3, catalytic domain (IPR035063) of the encoded protein sequence. Three of five in-silico tools predict a damaging effect of the variant on protein function. The variant allele was found at a frequency of 0.00017 in 204029 control chromosomes (gnomAD), predominantly at a frequency of 0.0012 within the Finnish subpopulation in the gnomAD database, including 9 hemizygotes. c.1579A>G has been reported in the literature in individuals affected with intellectual disability or atypical cerebral palsy (Tzschach_2015, Horvath_2018, Matthews_2018). These reports do not provide unequivocal conclusions about association of the variant with Intellectual Disability, X-Linked 30. To our knowledge, no experimental evidence demonstrating an impact on protein function has been reported. The following publications have been ascertained in the context of this evaluation (PMID: 31843706, 29246092, 30542205, 32050918, 25649377). Four submitters have cited clinical-significance assessments for this variant to ClinVar after 2014 and classified this variant as uncertain significance (n=2), likely benign (n=1) and benign (n=1). Based on the evidence outlined above, the variant was classified as likely benign.

CeGaT Center for Human Genetics Tuebingen
Classification: Uncertain significance. Last evaluated: 2022-09-01. Review status: criteria provided, single submitter. Criteria: CeGaT Center For Human Genetics Tuebingen Variant Classification Criteria Version 2. Collection method: clinical testing. Allele origin: germline. Affected: yes. Observed: 3 variant alleles.

Revvity Omics, Revvity
Classification: Uncertain significance for Intellectual developmental disorder, X-linked 30. Last evaluated: 2022-07-20. Review status: criteria provided, single submitter. Criteria: ACMG Guidelines, 2015. Collection method: clinical testing. Allele origin: germline.

Institute of Human Genetics, University of Leipzig Medical Center
Classification: Likely benign for Intellectual developmental disorder, X-linked 30. Last evaluated: 2019-01-01. Review status: criteria provided, single submitter. Criteria: ACMG Guidelines, 2015. Collection method: clinical testing. Allele origin: unknown. Affected: yes.

TIDEX, University of British Columbia
Classification: Uncertain significance for Intellectual developmental disorder, X-linked 30. Review status: criteria provided, single submitter. Criteria: ACMG Guidelines, 2015. Collection method: research. Allele origin: maternal. Inheritance: X-linked inheritance. Affected: yes.

PreventionGenetics, part of Exact Sciences
Classification: Likely benign for PAK3-related condition. Last evaluated: 2022-10-26. Review status: no assertion criteria provided. Collection method: clinical testing. Allele origin: germline. Not counted in ClinVar's aggregate classification.
Comment: This variant is classified as likely benign based on ACMG/AMP sequence variant interpretation guidelines (Richards et al. 2015 PMID: 25741868, with internal and published modifications).

Literature cited by the submitters: PubMed 31843706 (cited by Women's Health and Genetics/Laboratory Corporation of America, LabCorp); PubMed 29246092 (cited by Women's Health and Genetics/Laboratory Corporation of America, LabCorp); PubMed 30542205 (cited by Women's Health and Genetics/Laboratory Corporation of America, LabCorp); PubMed 32050918 (cited by Women's Health and Genetics/Laboratory Corporation of America, LabCorp); PubMed 25649377 (cited by Women's Health and Genetics/Laboratory Corporation of America, LabCorp).

NM_002578.5(PAK3):c.1579A>G (p.Ser527Gly)

Gene: PAK3 (p21 (RAC1) activated kinase 3; plus strand). Cytogenetic location: Xq23.
Variant type: single nucleotide variant.
Coding change: c.1579A>G on transcript NM_002578.5 (MANE Select); coding-DNA position 1579, A replaced by G.
Protein change: p.Ser527Gly; replaces serine 527 with glycine.
Molecular consequence: missense variant. On other transcripts: non-coding transcript variant (2).
Genome position (GRCh38, 1-based): chrX:111,220,391, A>G. VCF-style: chrX-111220391-A-G. GRCh37 (hg19) VCF-style: chrX-110463619-A-G.
Other names: c.1579A>G, p.Ser527Gly (NM_001128166.3, NM_001128167.3, NM_001324325.2 and 5 more transcripts); c.1687A>G, p.Ser563Gly (NM_001128168.3); c.1642A>G, p.Ser548Gly (NM_001128172.2); c.1624A>G, p.Ser542Gly (NM_001128173.3, NM_001324327.2, NM_001324328.2 and 2 more transcripts); short protein forms S527G, S563G, S548G, S542G.
Identifiers: ClinVar variation 431711 (VCV000431711.60), dbSNP rs200474454, ClinGen allele CA10492827.